The following is an entry in ClinVar:

ClinVar aggregate classification (germline): Uncertain significance (1 of 4 stars; one submission).

Submission:

Labcorp Genetics (formerly Invitae), Labcorp
Classification: Uncertain significance. Last evaluated: 2025-06-19. Review status: criteria provided, single submitter. Criteria: Invitae Variant Classification Sherloc (09022015). Collection method: clinical testing. Allele origin: germline.
Comment: This sequence change replaces threonine, which is neutral and polar, with arginine, which is basic and polar, at codon 3442 of the HMCN1 protein (p.Thr3442Arg). This variant is not present in population databases (gnomAD no frequency). This variant has not been reported in the literature in individuals affected with HMCN1-related conditions. An algorithm developed to predict the effect of missense changes on protein structure and function (PolyPhen-2) suggests that this variant is likely to be disruptive. In summary, the available evidence is currently insufficient to determine the role of this variant in disease. Therefore, it has been classified as a Variant of Uncertain Significance.

NM_031935.3(HMCN1):c.10325C>G (p.Thr3442Arg)

Gene: HMCN1 (hemicentin 1; plus strand). Cytogenetic location: 1q31.1.
Variant type: single nucleotide variant.
Coding change: c.10325C>G on transcript NM_031935.3 (MANE Select); coding-DNA position 10325, C replaced by G.
Protein change: p.Thr3442Arg; replaces threonine 3442 with arginine.
Molecular consequence: missense variant.
Genome position (GRCh38, 1-based): chr1:186,095,273, C>G. VCF-style: chr1-186095273-C-G. GRCh37 (hg19) VCF-style: chr1-186064405-C-G.
Other names: short protein forms T3442R.
Identifiers: ClinVar variation 4808872 (VCV004808872.1).